The following is an entry in ClinVar:

NM_001267550.2(TTN):c.56830_56831del (p.Leu18944fs)

Genes: TTN (titin; minus strand), TTN-AS1 (TTN antisense RNA 1; plus strand). Cytogenetic location: 2q31.2.
Variant type: Deletion.
Coding change: c.56830_56831del on transcript NM_001267550.2 (MANE Select); coding-DNA positions 56830 to 56831, 2 bases deleted (TT; older notation c.56830_56831delTT).
Protein change: p.Leu18944fs; shifts the reading frame from leucine 18944.
Molecular consequence: frameshift variant.
Genome position (GRCh38, 1-based): chr2:178,598,879-178,598,880, AA deleted on the plus strand (TT on the coding strand, the reverse complement: TTN is on the minus strand); deleting any 2 consecutive bases within chr2:178,598,879-178,598,881 gives the same sequence; the c. name uses the placement nearest the transcript's 3' end. VCF-style (leftmost placement, unchanged base first): chr2-178598878-CAA-C. GRCh37 (hg19) VCF-style: chr2-179463605-CAA-C.
Other names: c.51907_51908del, p.Leu17303fs (NM_001256850.1); c.29635_29636del, p.Leu9879fs (NM_003319.4); c.49126_49127del, p.Leu16376fs (NM_133378.4); c.30010_30011del, p.Leu10004fs (NM_133432.3); c.30211_30212del, p.Leu10071fs (NM_133437.4); short protein forms L10004fs, L10071fs, L16376fs, L17303fs, L18944fs, L9879fs.
Identifiers: ClinVar variation 3027460 (VCV003027460.1), dbSNP rs2469866613, ClinGen allele CA2740096080.

ClinVar aggregate classification (germline): Likely pathogenic (1 of 4 stars; one submission).

Conditions:
Dilated cardiomyopathy 1G (CMD1G). Identifiers: Orphanet 154, MedGen C1858763, MONDO:0011400, OMIM 604145.

Submission:

Human Genetics Bochum, Ruhr University Bochum
Classification: Likely pathogenic for Dilated cardiomyopathy 1G. Last evaluated: 2024-01-26. Review status: criteria provided, single submitter. Criteria: ACMG Guidelines, 2015. Collection method: clinical testing. Allele origin: germline. Affected: yes.
Comment: ACMG criteria used to clasify this variant: PVS1, PM2_SUP